The following is an entry in ClinVar:

NM_000243.3(MEFV):c.2177T>C (p.Val726Ala)

Gene: MEFV (MEFV innate immunity regulator, pyrin; minus strand). Cytogenetic location: 16p13.3.
Variant type: single nucleotide variant.
Coding change: c.2177T>C on transcript NM_000243.3 (MANE Select); coding-DNA position 2177, T replaced by C.
Protein change: p.Val726Ala; replaces valine 726 with alanine.
Molecular consequence: missense variant. On other transcripts: 3 prime UTR variant (1).
Genome position (GRCh38, 1-based): chr16:3,243,310, A>G on the plus strand (T>C on the coding strand, the complement: MEFV is on the minus strand). VCF-style: chr16-3243310-A-G. GRCh37 (hg19) VCF-style: chr16-3293310-A-G.
Other names: p.(Val726Ala); c.*381T>C (NM_001198536.2); short protein forms V726A.
Identifiers: ClinVar variation 2540 (VCV000002540.172), dbSNP rs28940579, ClinGen allele CA280095.

ClinVar aggregate classification (germline): Pathogenic/Likely pathogenic. Review status: criteria provided, multiple submitters, no conflicts (2 of 4 stars). 61 submissions from 59 submitters: Pathogenic (44); Likely pathogenic (6). 11 of the submissions do not count toward it. Last evaluated 2026-09-01.

Conditions:
MEFV-related disorder. Also called: MEFV-related disorders; MEFV-related condition.
Autoinflammatory syndrome. Identifiers: Orphanet 93665, MedGen C3890737, MONDO:0019751.
Familial Mediterranean fever (FMF). Also called: Periodic peritonitis; Benign paroxysmal peritonitis; POLYSEROSITIS, FAMILIAL PAROXYSMAL; POLYSEROSITIS, RECURRENT. Identifiers: Orphanet 342, MedGen C0031069, MONDO:0018088, OMIM 249100. Disease mechanism: gain of function.
Familial Mediterranean fever, autosomal dominant. Also called: FMF, AUTOSOMAL DOMINANT; Dominant Familial Mediterranean Fever. Identifiers: Orphanet 342, MedGen C1851347, MONDO:0007601, OMIM 134610.
Acute febrile neutrophilic dermatosis (AFND). Also called: Sweet Syndrome; Gomm Button disease. Identifiers: Orphanet 3243, MedGen C0085077, MONDO:0011959, OMIM 608068.
Inborn genetic diseases. Identifiers: MedGen C0950123, MeSH D030342.

Allele frequency attached by ClinVar (database versions not stated): 1000 Genomes Project 30x 0.00016; 1000 Genomes Project 0.00020; gnomAD 0.00147 and 0.00141; TOPMed 0.00154.

Submissions 1 to 8 of 61:

CeGaT Center for Human Genetics Tuebingen
Classification: Pathogenic. Last evaluated: 2026-09-01. Review status: criteria provided, single submitter. Criteria: CeGaT Center For Human Genetics Tuebingen Variant Classification Criteria Version 2. Collection method: clinical testing. Allele origin: germline. Affected: yes. Observed: 114 variant alleles.
Comment: MEFV: PM3:Very Strong, PP1:Strong, PM2:Supporting, PS3:Supporting, BP4

Institute of Human Genetics, University of Leipzig Medical Center
Classification: Pathogenic for Familial Mediterranean fever. Last evaluated: 2026-08-13. Review status: criteria provided, single submitter. Criteria: ACMG Guidelines, 2015. Collection method: clinical testing. Allele origin: unknown. Inheritance: Autosomal recessive inheritance. Affected: yes.
Comment: Criteria applied: PM3_VSTR,PP1_STR,PS3_SUP,PM2_SUP; Identified as compund heterozygous with NM_000243.3:c.2080A>G

PreventionGenetics, part of Exact Sciences
Classification: Pathogenic for MEFV-related condition. Last evaluated: 2026-05-15. Review status: criteria provided, single submitter. Criteria: ACMG Guidelines, 2015. Collection method: clinical testing. Allele origin: germline.
Comment: The MEFV c.2177T>C variant is predicted to result in the amino acid substitution p.Val726Ala. This variant has been reported in the homozygous and compound heterozygous states in numerous individuals with familial Mediterranean fever and is considered a founder variant in multiple populations, including the Ashkenazi Jewish population (see, for example, International FMF Consortium 1997. PubMed ID: 9288758; Gershoni-Baruch et al. 2001. PubMed ID: 11528510; Moradian et al. 2014. PubMed ID: 23907647). This variant has been noted to be associated with a milder phenotype (Cekin et al. 2017. PubMed ID: 28483595). In vivo and in vitro experimental studies suggest this variant impacts protein function (Chae et al. 2011. PubMed ID: 21600797; Honda et al. 2021. PubMed ID: 33733382). This variant is reported in 3.9% of alleles in individuals of Ashkenazi Jewish descent in a large population database. This variant is interpreted as pathogenic.

Division of Clinical Immunology and Allergy, Necmettin Erbakan University, Faculty of Medicine
Classification: Likely pathogenic for Familial Mediterranean fever; Familial Mediterranean fever, autosomal dominant; Acute febrile neutrophilic dermatosis. Last evaluated: 2026-05-14. Review status: criteria provided, single submitter. Criteria: ACMG Guidelines, 2015. Collection method: clinical testing. Allele origin: germline. Affected: no. Observed: 1 variant allele.

Greenwood Genetic Center Diagnostic Laboratories, Greenwood Genetic Center
Classification: Pathogenic for MEFV-related disorder. Last evaluated: 2026-04-28. Review status: criteria provided, single submitter. Criteria: ACMG Guidelines, 2015. Collection method: clinical testing. Allele origin: germline. Affected: yes.
Comment: PS3, PM3_Very Strong

Victorian Clinical Genetics Services, Murdoch Childrens Research Institute
Classification: Pathogenic for Familial Mediterranean fever. Last evaluated: 2026-02-09. Review status: criteria provided, single submitter. Criteria: ACMG Guidelines, 2015. Collection method: clinical testing. Allele origin: germline. Affected: yes.
Comment: This variant is classified as Pathogenic. Evidence in support of pathogenic classification: Variant is present in gnomAD <0.01 (v4: 2063 heterozygote(s) and 26 homozygote(s), including 1115 heterozygotes and 22 homozygotes from the Ashkenazi-Jewish population); This variant has strong previous evidence of pathogenicity in unrelated individuals. This variant is one of the most common variants causing familial Mediterranean fever, and is considered to be a founder variant in the Ashkenazi Jewish population. This variant has been reported in a homozygous or compound heterozygous state in individuals with familial Mediterranean fever. It has also been reported in a heterozygous state in individuals with familial Mediterranean fever without a second disease-associated MEFV variant. This variant has also been associated with reduced penetrance and variable expressivity (ClinVar, PMID: 11528510, 29393966); This variant has moderate functional evidence supporting abnormal protein function. Functional studies of the mutant protein showed a gain of caspase-1 activity (PMID: 16785446, 21600797). Evidence in support of benign classification: Missense variant predicted to be tolerated by in silico tool(s) or not conserved in placental mammals with a minor amino acid change. Additional information: Variant is predicted to result in a missense amino acid change from Val to Ala; This variant is heterozygous; This gene is associated with both recessive and dominant disease. Familial Mediterranean fever is mostly autosomal recessive, however approximately 31% of individuals with clinical familial Mediterranean fever lack a second disease-associated variant (PMID: 29393966, PMID: 31088470); Alternative amino acid change(s) at the same position are present in gnomAD (highest allele count: v4: 1 heterozygote(s), 0 homozygote(s)); Variant is located in the annotated SPRY domain (NCBI); Gain of function is a known mechanism of disease in this gene and is associated with familial Mediterranean fever (MIM#134610, MIM# 249100). Mouse models have shown a gain of function disease mechanism (PMID: 21600797), however, there has been some controversy as to whether this is due to a loss of an inhibitor or gain of pro-inflammatory function (PMID: 31088470); Incomplete penetrance has been reported for variants in this gene (PMID: 11528510, PMID: 29393966). Penetrance for autosomal dominant familial Mediterranean fever is incomplete, and the clinical severity is reduced compared to autosomal recessive familial Mediterranean fever (PMID: 20301405); Variants in this gene are known to have variable expressivity. There is variability of clinical symptoms in individuals with the same variants, even within the same family (PMID: 29393966). Previous studies have identified significant effects of modifying genes and environmental factors on the clinical phenotypes (PMID: 31088470); Heterozygous variant detected in trans with a second PATHOGENIC heterozygous variant (NM_000243.3(MEFV):c.2080A>G; p.(Met694Val)) in a recessive disease.

Labcorp Genetics (formerly Invitae), Labcorp
Classification: Pathogenic for Familial Mediterranean fever. Last evaluated: 2026-02-02. Review status: criteria provided, single submitter. Criteria: Invitae Variant Classification Sherloc (09022015). Collection method: clinical testing. Allele origin: germline.
Comment: This sequence change replaces valine, which is neutral and non-polar, with alanine, which is neutral and non-polar, at codon 726 of the MEFV protein (p.Val726Ala). This variant is present in population databases (rs28940579, gnomAD 4%), and has an allele count higher than expected for a pathogenic variant. This missense change has been observed in individual(s) with familial Mediterranean fever (PMID: 9288758, 10879615, 11977178). In at least one individual the data is consistent with being in trans (on the opposite chromosome) from a pathogenic variant. It is commonly reported in individuals of Ashkenazi Jewish or Middle Eastern ancestry (PMID: 11464238, 15745878, 23907647). ClinVar contains an entry for this variant (Variation ID: 2540). An algorithm developed to predict the effect of missense changes on protein structure and function outputs the following: PolyPhen-2: "Benign". The alanine amino acid residue is found in multiple mammalian species, which suggests that this missense change does not adversely affect protein function. Experimental studies have shown that this missense change affects MEFV function (PMID: 21600797). For these reasons, this variant has been classified as Pathogenic.

Department of Molecular Genetics, Istishari Arab Hospital
Classification: Pathogenic for Familial Mediterranean fever. Last evaluated: 2026-01-03. Review status: criteria provided, single submitter. Criteria: ACMG Guidelines, 2015. Collection method: clinical testing. Allele origin: germline. Inheritance: Autosomal recessive inheritance. Affected: yes.
Comment: The MEFV variant c.2177T>C p.(Val726Ala) causes an amino acid change from Val to Ala at position 726. This variant has been extensively reported as disease-causing for Familial Mediterranean Fever (FMF) (PMID: 28386255, 27659338, and many others). Clinically, this variant is usually associated with a milder FMF phenotype, often characterized by later disease onset, less frequent or less severe inflammatory attacks, and a lower risk of amyloidosis compared with other pathogenic MEFV variants (PMID: 12461684). It is classified as likely pathogenic according to the recommendations of ACMG/AMP/ClinGen SVI guidelines.